The following is an entry in ClinVar:

ClinVar aggregate classification (germline): Conflicting classifications of pathogenicity. Review status: criteria provided, conflicting classifications (1 of 4 stars). 4 submissions from 4 submitters: Uncertain significance (3); Likely benign (1). Last evaluated 2025-01-27.

Conditions:
Developmental delay, hypotonia, musculoskeletal defects, and behavioral abnormalities. Identifiers: MedGen C5562012, MONDO:0859202, OMIM 619595.
Floating-Harbor syndrome (FLHS). Also called: SRCAP-Related Floating-Harbor Syndrome; Short stature with delayed bone age, expressive language delay, a triangular face with a prominent nose and deep-set eyes; Pelletier-Leisti syndrome. Identifiers: Orphanet 2044, MedGen C0729582, MONDO:0007621, OMIM 136140.
Inborn genetic diseases. Identifiers: MedGen C0950123, MeSH D030342.

Allele frequency attached by ClinVar (database versions not stated): gnomAD 0.00002 and 0.00003; TOPMed 0.00003; ExAC 0.00005; gnomAD exomes 0.00005 and 0.00014; 1000 Genomes Project 30x 0.00016; 1000 Genomes Project 0.00020.
gnomAD v4.1: 203 of 1,614,222 alleles (0.013%); highest among the groups gnomAD compares: Middle Eastern, 0.066%; no homozygotes.

Submissions (4):

Labcorp Genetics (formerly Invitae), Labcorp
Classification: Uncertain significance. Last evaluated: 2025-01-27. Review status: criteria provided, single submitter. Criteria: Invitae Variant Classification Sherloc (09022015). Collection method: clinical testing. Allele origin: germline.
Comment: This sequence change replaces arginine, which is basic and polar, with tryptophan, which is neutral and slightly polar, at codon 1840 of the SRCAP protein (p.Arg1840Trp). This variant is present in population databases (rs531238169, gnomAD 0.01%). This variant has not been reported in the literature in individuals affected with SRCAP-related conditions. ClinVar contains an entry for this variant (Variation ID: 1444174). Invitae Evidence Modeling of protein sequence and biophysical properties (such as structural, functional, and spatial information, amino acid conservation, physicochemical variation, residue mobility, and thermodynamic stability) indicates that this missense variant is not expected to disrupt SRCAP protein function with a negative predictive value of 80%. In summary, the available evidence is currently insufficient to determine the role of this variant in disease. Therefore, it has been classified as a Variant of Uncertain Significance.

Women's Health and Genetics/Laboratory Corporation of America, LabCorp
Classification: Uncertain significance. Last evaluated: 2024-12-30. Review status: criteria provided, single submitter. Criteria: LabCorp Variant Classification Summary - May 2015. Collection method: clinical testing. Allele origin: germline.
Comment: Variant summary: SRCAP c.5518C>T (p.Arg1840Trp) results in a non-conservative amino acid change in the encoded protein sequence. Five of five in-silico tools predict a damaging effect of the variant on protein function. The variant allele was found at a frequency of 5.2e-05 in 251458 control chromosomes. This frequency is not significantly higher than estimated for a pathogenic variant in SRCAP causing Floating-Harbor Syndrome, allowing no conclusion about variant significance. To our knowledge, no occurrence of c.5518C>T in individuals affected with Floating-Harbor Syndrome and no experimental evidence demonstrating its impact on protein function have been reported. ClinVar contains an entry for this variant (Variation ID: 1444174). Based on the evidence outlined above, the variant was classified as uncertain significance.

Ambry Genetics
Classification: Likely benign for Inborn genetic diseases. Last evaluated: 2023-08-19. Review status: criteria provided, single submitter. Criteria: Ambry Variant Classification Scheme 2023. Collection method: clinical testing. Allele origin: germline.

Fulgent Genetics
Classification: Uncertain significance for Floating-Harbor syndrome; Developmental delay, hypotonia, musculoskeletal defects, and behavioral abnormalities. Last evaluated: 2022-01-10. Review status: criteria provided, single submitter. Criteria: ACMG Guidelines, 2015. Collection method: clinical testing. Allele origin: unknown.

NM_006662.3(SRCAP):c.5518C>T (p.Arg1840Trp)

Gene: SRCAP (Snf2 related CREBBP activator protein; plus strand). Cytogenetic location: 16p11.2.
Variant type: single nucleotide variant.
Coding change: c.5518C>T on transcript NM_006662.3 (MANE Select); coding-DNA position 5518, C replaced by T.
Protein change: p.Arg1840Trp; replaces arginine 1840 with tryptophan.
Molecular consequence: missense variant.
Genome position (GRCh38, 1-based): chr16:30,724,942, C>T. VCF-style: chr16-30724942-C-T. GRCh37 (hg19) VCF-style: chr16-30736263-C-T.
Other names: c.5518C>T (NM_006662.2); short protein forms R1840W.
Identifiers: ClinVar variation 1444174 (VCV001444174.12), dbSNP rs531238169, ClinGen allele CA8011995.